The following is an entry in ClinVar:

NM_000135.4(FANCA):c.163C>T (p.Gln55Ter)

Gene: FANCA (FA complementation group A; minus strand). Cytogenetic location: 16q24.3.
Variant type: single nucleotide variant.
Coding change: c.163C>T on transcript NM_000135.4 (MANE Select); coding-DNA position 163, C replaced by T.
Protein change: p.Gln55Ter; replaces glutamine 55 with a stop codon.
Molecular consequence: nonsense.
Genome position (GRCh38, 1-based): chr16:89,815,903, G>A on the plus strand (C>T on the coding strand, the complement: FANCA is on the minus strand). VCF-style: chr16-89815903-G-A. GRCh37 (hg19) VCF-style: chr16-89882311-G-A.
Other names: c.163C>T (LRG_495t1); c.163C>T, p.Gln55Ter (NM_001018112.3, NM_001286167.3, NM_001351830.2); short protein forms Q55*.
Identifiers: ClinVar variation 550581 (VCV000550581.11), dbSNP rs1555580427, ClinGen allele CA397483293.

ClinVar aggregate classification (germline): Pathogenic. Review status: criteria provided, multiple submitters, no conflicts (2 of 4 stars). 3 submissions from 3 submitters: Pathogenic (2). 1 of the submissions does not count toward it. Last evaluated 2024-05-08.

Conditions:
Fanconi anemia (FA). Also called: Fanconi's anemia. Identifiers: Orphanet 84, MedGen C0015625, MeSH D005199, MONDO:0019391.
Fanconi anemia complementation group A (FANCA). Also called: FANCA-Related Fanconi Anemia; Fanconi anemia, group A. Identifiers: Orphanet 84, MedGen C3469521, MONDO:0009215, OMIM 227650.

Submissions (3):

Fulgent Genetics
Classification: Pathogenic for Fanconi anemia complementation group A. Last evaluated: 2024-05-08. Review status: criteria provided, single submitter. Criteria: ACMG Guidelines, 2015. Collection method: clinical testing. Allele origin: germline.

Labcorp Genetics (formerly Invitae), Labcorp
Classification: Pathogenic for Fanconi anemia. Last evaluated: 2020-07-21. Review status: criteria provided, single submitter. Criteria: Invitae Variant Classification Sherloc (09022015). Collection method: clinical testing. Allele origin: germline.
Comment: This sequence change creates a premature translational stop signal (p.Gln55*) in the FANCA gene. It is expected to result in an absent or disrupted protein product. This variant has been observed in individual(s) with Fanconi anemia (PMID: 10094191, 26799702). ClinVar contains an entry for this variant (Variation ID: 550581). Loss-of-function variants in FANCA are known to be pathogenic (PMID: 19367192). For these reasons, this variant has been classified as Pathogenic. This variant is not present in population databases (ExAC no frequency).

Counsyl
Classification: Likely pathogenic for Fanconi anemia complementation group A. Last evaluated: 2017-02-01. Review status: no assertion criteria provided. Collection method: clinical testing. Allele origin: unknown. Not counted in ClinVar's aggregate classification.

Literature cited by the submitters: PubMed 10094191 (cited by Labcorp Genetics (formerly Invitae), Labcorp and Counsyl); PubMed 26799702 (cited by Labcorp Genetics (formerly Invitae), Labcorp and Counsyl); PubMed 19367192 (cited by Labcorp Genetics (formerly Invitae), Labcorp); PubMed 25525159 (cited by Counsyl).